The following is an entry in ClinVar:

NM_001365276.2(TNXB):c.9667G>T (p.Gly3223Cys)

Gene: TNXB (tenascin XB; minus strand). Cytogenetic location: 6p21.33.
Variant type: single nucleotide variant.
Coding change: c.9667G>T on transcript NM_001365276.2 (MANE Select); coding-DNA position 9667, G replaced by T.
Protein change: p.Gly3223Cys; replaces glycine 3223 with cysteine.
Molecular consequence: missense variant.
Genome position (GRCh38, 1-based): chr6:32,049,360, C>A on the plus strand (G>T on the coding strand, the complement: TNXB is on the minus strand). VCF-style: chr6-32049360-C-A. GRCh37 (hg19) VCF-style: chr6-32017137-C-A.
Other names: c.9661G>T, p.Gly3221Cys (NM_019105.8); short protein forms G3221C, G3223C.
Identifiers: ClinVar variation 1767706 (VCV001767706.2), dbSNP rs1307234916, ClinGen allele CA363538268.

ClinVar aggregate classification (germline): Uncertain significance (1 of 4 stars; one submission).

Conditions:
Cardiovascular phenotype. Identifiers: MedGen CN230736.

Allele frequency attached by ClinVar (database versions not stated): gnomAD 0.00001; gnomAD exomes below 0.00001; TOPMed below 0.00001.
gnomAD v4.1: 7 of 1,612,382 alleles (0.00043%); highest among the groups gnomAD compares: Non-Finnish European, 0.00059%; no homozygotes.

Submission:

Ambry Genetics
Classification: Uncertain significance for Cardiovascular phenotype. Last evaluated: 2021-11-14. Review status: criteria provided, single submitter. Criteria: Ambry Variant Classification Scheme 2023. Collection method: clinical testing. Allele origin: germline.
Comment: The p.G3221C variant (also known as c.9661G>T), located in coding exon 27 of the TNXB gene, results from a G to T substitution at nucleotide position 9661. The glycine at codon 3221 is replaced by cysteine, an amino acid with highly dissimilar properties. This amino acid position is conserved. In addition, this alteration is predicted to be tolerated by in silico analysis. Since supporting evidence is limited at this time, the clinical significance of this alteration remains unclear.